The following is an entry in ClinVar:

ClinVar aggregate classification (germline): Likely pathogenic (1 of 4 stars; one submission).

Submission:

Quest Diagnostics Nichols Institute San Juan Capistrano
Classification: Likely pathogenic. Last evaluated: 2021-08-25. Review status: criteria provided, single submitter. Criteria: Quest Diagnostics criteria. Collection method: clinical testing. Allele origin: unknown.
Comment: This variant is located in a canonical splice-donor site and is predicted to interfere with normal FANCA mRNA splicing. To the best of our knowledge, the variant has not been reported in the published literature. Based on the available information, this variant is classified as likely pathogenic.

NM_000135.4(FANCA):c.3934+1G>C

Genes: FANCA (FA complementation group A; minus strand), ZNF276 (zinc finger protein 276; plus strand). Cytogenetic location: 16q24.3.
Variant type: single nucleotide variant.
Coding change: c.3934+1G>C on transcript NM_000135.4 (MANE Select); the canonical splice donor site of the intron after coding-DNA position 3934, G replaced by C.
Molecular consequence: splice donor variant. On other transcripts: 3 prime UTR variant (2), non-coding transcript variant (4).
Genome position (GRCh38, 1-based): chr16:89,739,993, C>G on the plus strand (G>C on the coding strand, the complement: FANCA is on the minus strand). VCF-style: chr16-89739993-C-G. GRCh37 (hg19) VCF-style: chr16-89806401-C-G.
Other names: c.*1747C>G (NM_001113525.2, NM_152287.4); c.3934+1G>C (NM_001286167.3).
Identifiers: ClinVar variation 1809521 (VCV001809521.1), dbSNP rs2062087795, ClinGen allele CA397484887.